The following is an entry in ClinVar:

NM_000069.3(CACNA1S):c.4943C>A (p.Pro1648Gln)

Gene: CACNA1S (calcium voltage-gated channel subunit alpha1 S; minus strand). Cytogenetic location: 1q32.1.
Variant type: single nucleotide variant.
Coding change: c.4943C>A on transcript NM_000069.3 (MANE Select); coding-DNA position 4943, C replaced by A.
Protein change: p.Pro1648Gln; replaces proline 1648 with glutamine.
Molecular consequence: missense variant.
Genome position (GRCh38, 1-based): chr1:201,043,386, G>T on the plus strand (C>A on the coding strand, the complement: CACNA1S is on the minus strand). VCF-style: chr1-201043386-G-T. GRCh37 (hg19) VCF-style: chr1-201012514-G-T.
Other names: short protein forms P1648Q.
Identifiers: ClinVar variation 2630668 (VCV002630668.1), dbSNP rs2464410847, ClinGen allele CA344136500.
Genomic context (GRCh38, chr1:201,043,386, plus strand): 5'-ACATTGGCGTTGGCATTGTTGGTATTGGCACGAGCCAGGGGGTTGGTGCGTGGATCTTGT[G>T]GGAAGTCCTCCAAGAAGACAGGTGACTCCATCTCTTCCATCTCTATCTCAGCAAACTGGA-3'
Protein context (NP_000060.2, residues 1638-1658): MESPVFLEDF[Pro1648Gln]QDPRTNPLAR

ClinVar aggregate classification (germline): Uncertain significance (1 of 4 stars; one submission).

Conditions:
CACNA1S-related disorder. Also called: CACNA1S-related condition.

gnomAD v4.1: 3 of 1,614,110 alleles (0.00019%); highest among the groups gnomAD compares: South Asian, 0.0011%; no homozygotes.

Submission:

PreventionGenetics, part of Exact Sciences
Classification: Uncertain significance for CACNA1S-related condition. Last evaluated: 2023-09-02. Review status: criteria provided, single submitter. Criteria: ACMG Guidelines, 2015. Collection method: clinical testing. Allele origin: germline.
Comment: The CACNA1S c.4943C>A variant is predicted to result in the amino acid substitution p.Pro1648Gln. To our knowledge, this variant has not been reported in the literature or in a large population database, indicating this variant is rare. At this time, the clinical significance of this variant is uncertain due to the absence of conclusive functional and genetic evidence.